The following is an entry in ClinVar:

ClinVar aggregate classification (germline): Uncertain significance (1 of 4 stars; one submission).

Allele frequency attached by ClinVar (database versions not stated): gnomAD exomes 0.00001; gnomAD 0.00003; TOPMed 0.00003.
gnomAD v4.1: 18 of 1,602,444 alleles (0.0011%); highest among the groups gnomAD compares: Middle Eastern, 0.033%; no homozygotes.

Submission:

Labcorp Genetics (formerly Invitae), Labcorp
Classification: Uncertain significance. Last evaluated: 2022-03-26. Review status: criteria provided, single submitter. Criteria: Invitae Variant Classification Sherloc (09022015). Collection method: clinical testing. Allele origin: germline.
Comment: This sequence change replaces alanine, which is neutral and non-polar, with valine, which is neutral and non-polar, at codon 224 of the RAB33B protein (p.Ala224Val). In summary, the available evidence is currently insufficient to determine the role of this variant in disease. Therefore, it has been classified as a Variant of Uncertain Significance. Algorithms developed to predict the effect of missense changes on protein structure and function are either unavailable or do not agree on the potential impact of this missense change (SIFT: "Not Available"; PolyPhen-2: "Benign"; Align-GVGD: "Not Available"). This variant has not been reported in the literature in individuals affected with RAB33B-related conditions. This variant is present in population databases (rs764278121, gnomAD 0.009%).

NM_031296.3(RAB33B):c.671C>T (p.Ala224Val)

Gene: RAB33B (RAB33B, member RAS oncogene family; plus strand). Cytogenetic location: 4q31.1.
Variant type: single nucleotide variant.
Coding change: c.671C>T on transcript NM_031296.3 (MANE Select); coding-DNA position 671, C replaced by T.
Protein change: p.Ala224Val; replaces alanine 224 with valine.
Molecular consequence: missense variant.
Genome position (GRCh38, 1-based): chr4:139,473,107, C>T. VCF-style: chr4-139473107-C-T. GRCh37 (hg19) VCF-style: chr4-140394261-C-T.
Other names: short protein forms A224V.
Identifiers: ClinVar variation 2174978 (VCV002174978.2), dbSNP rs764278121, ClinGen allele CA3084045.
Genomic context (GRCh38, chr4:139,473,107, plus strand): 5'-CATTAATGCTTAGTCAGCCCCCTGATAATGGAATTATCCTGAAGCCTGAACCAAAGCCTG[C>T]AATGACGTGCTGGTGCTAAATAACAGTCTTTATTATATTATCTAATTTTGACTAAAGAAA-3'
Protein context (NP_112586.1, residues 214-229): GIILKPEPKP[Ala224Val]MTCWC